The following is an entry in ClinVar:

NM_005359.6(SMAD4):c.1352C>A (p.Ala451Glu)

Gene: SMAD4 (SMAD family member 4; plus strand). Cytogenetic location: 18q21.2.
Variant type: single nucleotide variant.
Coding change: c.1352C>A on transcript NM_005359.6 (MANE Select); coding-DNA position 1352, C replaced by A.
Protein change: p.Ala451Glu; replaces alanine 451 with glutamic acid.
Molecular consequence: missense variant.
Genome position (GRCh38, 1-based): chr18:51,076,681, C>A. VCF-style: chr18-51076681-C-A. GRCh37 (hg19) VCF-style: chr18-48603051-C-A.
Other names: short protein forms A451E.
Identifiers: ClinVar variation 657770 (VCV000657770.10), dbSNP rs1275841831, ClinGen allele CA402465204.

ClinVar aggregate classification (germline): Uncertain significance (1 of 4 stars; one submission).

Conditions:
Juvenile polyposis syndrome (JPS). Identifiers: Orphanet 2929, MedGen C0345893, MONDO:0017380, OMIM 174900.

Submission:

Labcorp Genetics (formerly Invitae), Labcorp
Classification: Uncertain significance for Juvenile polyposis syndrome. Last evaluated: 2018-09-24. Review status: criteria provided, single submitter. Criteria: Invitae Variant Classification Sherloc (09022015). Collection method: clinical testing. Allele origin: germline.
Comment: In summary, the available evidence is currently insufficient to determine the role of this variant in disease. Therefore, it has been classified as a Variant of Uncertain Significance. Algorithms developed to predict the effect of missense changes on protein structure and function are either unavailable or do not agree on the potential impact of this missense change (SIFT: "Tolerated"; PolyPhen-2: "Probably Damaging"; Align-GVGD: "Class C15"). This variant has not been reported in the literature in individuals with SMAD4-related disease. This variant is not present in population databases (ExAC no frequency). This sequence change replaces alanine with glutamic acid at codon 451 of the SMAD4 protein (p.Ala451Glu). The alanine residue is highly conserved and there is a moderate physicochemical difference between alanine and glutamic acid.